The following is an entry in ClinVar:

ClinVar aggregate classification (germline): Uncertain significance (1 of 4 stars; one submission).

Conditions:
Left ventricular noncompaction 8 (LVNC8). Identifiers: Orphanet 154, Orphanet 54260, MedGen C3809288, MONDO:0014152, OMIM 615373.

Allele frequency attached by ClinVar (database versions not stated): TOPMed below 0.00001; ExAC 0.00001; gnomAD exomes 0.00001; ESP Exome Variant Server 0.00016.
gnomAD v4.1: 19 of 1,613,256 alleles (0.0012%); highest among the groups gnomAD compares: Non-Finnish European, 0.0016%; no homozygotes.

Submission:

Labcorp Genetics (formerly Invitae), Labcorp
Classification: Uncertain significance for Left ventricular noncompaction 8. Last evaluated: 2022-04-16. Review status: criteria provided, single submitter. Criteria: Invitae Variant Classification Sherloc (09022015). Collection method: clinical testing. Allele origin: germline.
Comment: In summary, the available evidence is currently insufficient to determine the role of this variant in disease. Therefore, it has been classified as a Variant of Uncertain Significance. Algorithms developed to predict the effect of missense changes on protein structure and function are either unavailable or do not agree on the potential impact of this missense change (SIFT: "Deleterious"; PolyPhen-2: "Benign"; Align-GVGD: "Class C65"). This variant has not been reported in the literature in individuals affected with PRDM16-related conditions. This variant is present in population databases (rs199817629, gnomAD 0.0009%). This sequence change replaces serine, which is neutral and polar, with arginine, which is basic and polar, at codon 768 of the PRDM16 protein (p.Ser768Arg).

NM_022114.4(PRDM16):c.2304T>G (p.Ser768Arg)

Gene: PRDM16 (PR/SET domain 16; plus strand). Cytogenetic location: 1p36.32.
Variant type: single nucleotide variant.
Coding change: c.2304T>G on transcript NM_022114.4 (MANE Select); coding-DNA position 2304, T replaced by G.
Protein change: p.Ser768Arg; replaces serine 768 with arginine.
Molecular consequence: missense variant.
Genome position (GRCh38, 1-based): chr1:3,412,501, T>G. VCF-style: chr1-3412501-T-G. GRCh37 (hg19) VCF-style: chr1-3329065-T-G.
Other names: c.2304T>G, p.Ser768Arg (NM_199454.3); short protein forms S768R.
Identifiers: ClinVar variation 2162497 (VCV002162497.4), dbSNP rs199817629, ClinGen allele CA544444.
Genomic context (GRCh38, chr1:3,412,501, plus strand): 5'-CTTGCTGGTCAAGGCCGAGCCAAAGTCACCCCGGGACGCCCTCAAGGTGGGCGGCCCCAG[T>G]GCCGAGTGCCCCTTTGATCTCACCACCAAGCCCAAAGACGTGAAGCCCATCCTGCCCATG-3'
Protein context (NP_071397.3, residues 758-778): PRDALKVGGP[Ser768Arg]AECPFDLTTK